The following is an entry in ClinVar:

NM_006214.4(PHYH):c.559G>C (p.Asp187His)

Gene: PHYH (phytanoyl-CoA 2-hydroxylase; minus strand). Cytogenetic location: 10p13.
Variant type: single nucleotide variant.
Coding change: c.559G>C on transcript NM_006214.4 (MANE Select); coding-DNA position 559, G replaced by C.
Protein change: p.Asp187His; replaces aspartic acid 187 with histidine.
Molecular consequence: missense variant. On other transcripts: intron variant (1).
Genome position (GRCh38, 1-based): chr10:13,288,479, C>G on the plus strand (G>C on the coding strand, the complement: PHYH is on the minus strand). VCF-style: chr10-13288479-C-G. GRCh37 (hg19) VCF-style: chr10-13330479-C-G.
Other names: c.259G>C, p.Asp87His (NM_001037537.2, NM_001323080.2); c.565G>C, p.Asp189His (NM_001323082.2); c.265G>C, p.Asp89His (NM_001323084.2); c.415-4640G>C (NM_001323083.2); short protein forms D187H, D89H, D189H, D87H.
Identifiers: ClinVar variation 3666727 (VCV003666727.2).

ClinVar aggregate classification (germline): Uncertain significance (1 of 4 stars; one submission).

Submission:

Labcorp Genetics (formerly Invitae), Labcorp
Classification: Uncertain significance. Last evaluated: 2024-10-30. Review status: criteria provided, single submitter. Criteria: Invitae Variant Classification Sherloc (09022015). Collection method: clinical testing. Allele origin: germline.
Comment: This sequence change replaces aspartic acid, which is acidic and polar, with histidine, which is basic and polar, at codon 187 of the PHYH protein (p.Asp187His). This variant is not present in population databases (gnomAD no frequency). This variant has not been reported in the literature in individuals affected with PHYH-related conditions. Invitae Evidence Modeling of protein sequence and biophysical properties (such as structural, functional, and spatial information, amino acid conservation, physicochemical variation, residue mobility, and thermodynamic stability) indicates that this missense variant is not expected to disrupt PHYH protein function with a negative predictive value of 80%. In summary, the available evidence is currently insufficient to determine the role of this variant in disease. Therefore, it has been classified as a Variant of Uncertain Significance.